The following is an entry in ClinVar:

ClinVar aggregate classification (germline): Uncertain significance (1 of 4 stars; one submission).

Submission:

Labcorp Genetics (formerly Invitae), Labcorp
Classification: Uncertain significance. Last evaluated: 2025-06-17. Review status: criteria provided, single submitter. Criteria: Invitae Variant Classification Sherloc (09022015). Collection method: clinical testing. Allele origin: germline.
Comment: This sequence change replaces glutamic acid, which is acidic and polar, with glutamine, which is neutral and polar, at codon 470 of the ARHGEF1 protein (p.Glu470Gln). This variant is not present in population databases (gnomAD no frequency). This variant has not been reported in the literature in individuals affected with ARHGEF1-related conditions. An algorithm developed to predict the effect of missense changes on protein structure and function (PolyPhen-2) suggests that this variant is likely to be tolerated. Algorithms developed to predict the effect of sequence changes on RNA splicing suggest that this variant may disrupt the consensus splice site. In summary, the available evidence is currently insufficient to determine the role of this variant in disease. Therefore, it has been classified as a Variant of Uncertain Significance.

NM_004706.4(ARHGEF1):c.1363G>C (p.Glu455Gln)

Gene: ARHGEF1 (Rho guanine nucleotide exchange factor 1; plus strand). Cytogenetic location: 19q13.2.
Variant type: single nucleotide variant.
Coding change: c.1363G>C on transcript NM_004706.4 (MANE Select); coding-DNA position 1363, G replaced by C.
Protein change: p.Glu455Gln; replaces glutamic acid 455 with glutamine.
Molecular consequence: missense variant. On other transcripts: non-coding transcript variant (2).
Genome position (GRCh38, 1-based): chr19:41,901,982, G>C. VCF-style: chr19-41901982-G-C. GRCh37 (hg19) VCF-style: chr19-42406132-G-C.
Other names: c.1531G>C, p.Glu511Gln (NM_001396000.1); c.1264G>C, p.Glu422Gln (NM_001396002.1, NM_001396004.1, NM_198977.2); c.1363G>C, p.Glu455Gln (NM_001396003.1, NM_001396006.1); c.1408G>C, p.Glu470Gln (NM_199002.2); short protein forms E455Q, E470Q, E511Q, E422Q.
Identifiers: ClinVar variation 4782029 (VCV004782029.1).